The following is an entry in ClinVar:

NM_001194998.2(CEP152):c.4599A>C (p.Leu1533Phe)

Gene: CEP152 (centrosomal protein 152; minus strand). Cytogenetic location: 15q21.1.
Variant type: single nucleotide variant.
Coding change: c.4599A>C on transcript NM_001194998.2 (MANE Select); coding-DNA position 4599, A replaced by C.
Protein change: p.Leu1533Phe; replaces leucine 1533 with phenylalanine.
Molecular consequence: missense variant.
Genome position (GRCh38, 1-based): chr15:48,738,783, T>G on the plus strand (A>C on the coding strand, the complement: CEP152 is on the minus strand). VCF-style: chr15-48738783-T-G. GRCh37 (hg19) VCF-style: chr15-49030980-T-G.
Other names: c.4431A>C, p.Leu1477Phe (NM_014985.4); short protein forms L1477F, L1533F.
Identifiers: ClinVar variation 3608252 (VCV003608252.1).

ClinVar aggregate classification (germline): Uncertain significance (1 of 4 stars; one submission).

gnomAD v4.1: 2 of 1,614,218 alleles (0.00012%); highest among the groups gnomAD compares: Non-Finnish European, 0.00017%; no homozygotes.

Submission:

Labcorp Genetics (formerly Invitae), Labcorp
Classification: Uncertain significance. Last evaluated: 2024-12-02. Review status: criteria provided, single submitter. Criteria: Invitae Variant Classification Sherloc (09022015). Collection method: clinical testing. Allele origin: germline.
Comment: This sequence change replaces leucine, which is neutral and non-polar, with phenylalanine, which is neutral and non-polar, at codon 1477 of the CEP152 protein (p.Leu1477Phe). This variant is present in population databases (rs753203845, gnomAD 0.002%). This variant has not been reported in the literature in individuals affected with CEP152-related conditions. An algorithm developed to predict the effect of missense changes on protein structure and function outputs the following: PolyPhen-2: "Benign". The phenylalanine amino acid residue is found in multiple mammalian species, which suggests that this missense change does not adversely affect protein function. In summary, the available evidence is currently insufficient to determine the role of this variant in disease. Therefore, it has been classified as a Variant of Uncertain Significance.